The following is an entry in ClinVar:

NM_001111125.3(IQSEC2):c.2030G>T (p.Gly677Val)

Gene: IQSEC2 (IQ motif and Sec7 domain ArfGEF 2; minus strand). Cytogenetic location: Xp11.22.
Variant type: single nucleotide variant.
Coding change: c.2030G>T on transcript NM_001111125.3 (MANE Select); coding-DNA position 2030, G replaced by T.
Protein change: p.Gly677Val; replaces glycine 677 with valine.
Molecular consequence: missense variant.
Genome position (GRCh38, 1-based): chrX:53,250,546, C>A on the plus strand (G>T on the coding strand, the complement: IQSEC2 is on the minus strand). VCF-style: chrX-53250546-C-A. GRCh37 (hg19) VCF-style: chrX-53279728-C-A.
Other names: c.1415G>T, p.Gly472Val (NM_015075.2); c.2030G>T, p.Gly677Val (NM_001410736.1); short protein forms G472V, G677V.
Identifiers: ClinVar variation 3375691 (VCV003375691.1).
Genomic context (GRCh38, chrX:53,250,546, plus strand): 5'-TCGTTATCTCCACCATCAGAGTTCTCGCCTGCTGCCTCGCACTTCCCCAACCTCCGACCC[C>A]CAGCCACACCACTGGGCCCAGTGCCACTGTTGGGGGCTGGTGGCAGGGGCCCTGGTGGGG-3'
Protein context (NP_001104595.1, residues 667-687): NSGTGPSGVA[Gly677Val]GRRLGKCEAA

ClinVar aggregate classification (germline): Uncertain significance (1 of 4 stars; one submission).

Submission:

GeneDx
Classification: Uncertain significance. Last evaluated: 2024-05-09. Review status: criteria provided, single submitter. Criteria: GeneDx Variant Classification Process June 2021. Collection method: clinical testing. Allele origin: germline. Affected: yes.
Comment: Not observed at significant frequency in large population cohorts (gnomAD); In silico analysis indicates that this missense variant does not alter protein structure/function; Has not been previously published as pathogenic or benign to our knowledge